The following is an entry in ClinVar:

ClinVar aggregate classification (germline): Uncertain significance. Review status: criteria provided, multiple submitters, no conflicts (2 of 4 stars). 4 submissions from 4 submitters: Uncertain significance (3). 1 of the submissions does not count toward it. Last evaluated 2024-05-02.

Conditions:
Congenital myasthenic syndrome (CMS). Also called: Congenital Myasthenic Syndromes. Identifiers: Orphanet 590, MedGen C0751882, MeSH D020294, MONDO:0018940.
Inborn genetic diseases. Identifiers: MedGen C0950123, MeSH D030342.
Congenital myasthenic syndrome 4A. Also called: Myasthenic syndrome, congenital, 4a, slow-channel; MYASTHENIC SYNDROME, CONGENITAL, 4A, SLOW-CHANNEL, AUTOSOMAL RECESSIVE; CONGENITAL MYASTHENIC SYNDROME TYPE Ia1. Identifiers: Orphanet 590, MedGen C4225413, MONDO:0011600, OMIM 605809.

Allele frequency attached by ClinVar (database versions not stated): gnomAD 0.00001 and 0.00002; gnomAD exomes 0.00001 and 0.00003; TOPMed 0.00001; ExAC 0.00003; 1000 Genomes Project 0.00020; 1000 Genomes Project 30x 0.00031.

Submissions (4):

Revvity Omics, Revvity
Classification: Uncertain significance. Last evaluated: 2024-05-02. Review status: criteria provided, single submitter. Criteria: ACMG Guidelines, 2015. Collection method: clinical testing. Allele origin: germline.

Ambry Genetics
Classification: Uncertain significance for Inborn genetic diseases. Last evaluated: 2023-04-13. Review status: criteria provided, single submitter. Criteria: Ambry Variant Classification Scheme 2023. Collection method: clinical testing. Allele origin: germline.

Labcorp Genetics (formerly Invitae), Labcorp
Classification: Uncertain significance for Congenital myasthenic syndrome 4A. Last evaluated: 2022-07-29. Review status: criteria provided, single submitter. Criteria: Invitae Variant Classification Sherloc (09022015). Collection method: clinical testing. Allele origin: germline.
Comment: This sequence change replaces arginine, which is basic and polar, with cysteine, which is neutral and slightly polar, at codon 216 of the CHRNE protein (p.Arg216Cys). This variant is present in population databases (rs577641512, gnomAD 0.009%). This variant has not been reported in the literature in individuals affected with CHRNE-related conditions. ClinVar contains an entry for this variant (Variation ID: 968877). Advanced modeling of protein sequence and biophysical properties (such as structural, functional, and spatial information, amino acid conservation, physicochemical variation, residue mobility, and thermodynamic stability) performed at Invitae indicates that this missense variant is not expected to disrupt CHRNE protein function. In summary, the available evidence is currently insufficient to determine the role of this variant in disease. Therefore, it has been classified as a Variant of Uncertain Significance.

Natera, Inc.
Classification: Uncertain significance for Congenital myasthenic syndrome. Last evaluated: 2020-06-06. Review status: no assertion criteria provided. Collection method: clinical testing. Allele origin: germline. Not counted in ClinVar's aggregate classification.

NM_000080.4(CHRNE):c.646C>T (p.Arg216Cys)

Genes: C17orf107 (chromosome 17 open reading frame 107; plus strand), CHRNE (cholinergic receptor nicotinic epsilon subunit; minus strand). Cytogenetic location: 17p13.2.
Variant type: single nucleotide variant.
Coding change: c.646C>T on transcript NM_000080.4 (MANE Select); coding-DNA position 646, C replaced by T.
Protein change: p.Arg216Cys; replaces arginine 216 with cysteine.
Molecular consequence: missense variant. On other transcripts: 3 prime UTR variant (1).
Genome position (GRCh38, 1-based): chr17:4,901,146, G>A on the plus strand (C>T on the coding strand, the complement: CHRNE is on the minus strand). VCF-style: chr17-4901146-G-A. GRCh37 (hg19) VCF-style: chr17-4804441-G-A.
Other names: c.*613G>A (NM_001145536.2); short protein forms R216C.
Identifiers: ClinVar variation 968877 (VCV000968877.6), dbSNP rs577641512, ClinGen allele CA8314301.
Genomic context (GRCh38, chr17:4,901,146, plus strand): 5'-TGATGAGCGAGTAGATGACGTCAGTCTCCCCTGGGCCGTCGGTGGCGCCACCGTGGTGGC[G>A]GCGGATCACCCCCGGGCAGAAGTCGATGGCCCACTCGCCGTTCTCTGCGGGACGGGGGCA-3'
Protein context (NP_000071.1, residues 206-226): AIDFCPGVIR[Arg216Cys]HHGGATDGPG